The following is an entry in ClinVar:

NM_130384.3(ATRIP):c.139G>C (p.Asp47His)

Genes: ATRIP (ATR interacting protein; plus strand), ATRIP-TREX1 (ATRIP-TREX1 readthrough; plus strand), LOC129936703 (ATAC-STARR-seq lymphoblastoid silent region 14331; plus strand). Cytogenetic location: 3p21.31.
Variant type: single nucleotide variant.
Coding change: c.139G>C on transcript NM_130384.3 (MANE Select); coding-DNA position 139, G replaced by C.
Protein change: p.Asp47His; replaces aspartic acid 47 with histidine.
Molecular consequence: missense variant. On other transcripts: non-coding transcript variant (1), intron variant (1).
Genome position (GRCh38, 1-based): chr3:48,446,984, G>C. VCF-style: chr3-48446984-G-C. GRCh37 (hg19) VCF-style: chr3-48488388-G-C.
Other names: c.139G>C, p.Asp47His (NM_032166.4); c.-218+185G>C (NM_001271022.2); short protein forms D47H.
Identifiers: ClinVar variation 3810013 (VCV003810013.1).

ClinVar aggregate classification (germline): Uncertain significance (1 of 4 stars; one submission).

Submission:

Ambry Genetics
Classification: Uncertain significance. Last evaluated: 2025-01-18. Review status: criteria provided, single submitter. Criteria: Ambry Variant Classification Scheme 2023. Collection method: clinical testing. Allele origin: germline.
Comment: The p.D47H variant (also known as c.139G>C), located in coding exon 1 of the ATRIP gene, results from a G to C substitution at nucleotide position 139. The aspartic acid at codon 47 is replaced by histidine, an amino acid with similar properties. This amino acid position is conserved. In addition, the in silico prediction for this alteration is inconclusive. Based on the available evidence, the clinical significance of this variant remains unclear.